The following is an entry in ClinVar:

NM_001142864.4(PIEZO1):c.1839C>T (p.Thr613=)

Genes: PIEZO1 (piezo type mechanosensitive ion channel component 1 (Er blood group); minus strand), HSALR1 (HSP90AB1 associated lncRNA 1; plus strand). Cytogenetic location: 16q24.3.
Variant type: single nucleotide variant.
Coding change: c.1839C>T on transcript NM_001142864.4 (MANE Select); coding-DNA position 1839, C replaced by T.
Protein change: p.Thr613=; no amino-acid change (threonine 613 retained).
Molecular consequence: synonymous variant.
Genome position (GRCh38, 1-based): chr16:88,734,884, G>A on the plus strand (C>T on the coding strand, the complement: PIEZO1 is on the minus strand). VCF-style: chr16-88734884-G-A. GRCh37 (hg19) VCF-style: chr16-88801292-G-A.
Other names: c.1839C>T (NM_001142864.3); c.384C>T, p.Thr128= (NM_014745.1).
Identifiers: ClinVar variation 1924633 (VCV001924633.6), dbSNP rs1223082415, ClinGen allele CA497367097.

ClinVar aggregate classification (germline): Benign/Likely benign. Review status: criteria provided, multiple submitters, no conflicts (2 of 4 stars). 2 submissions from 2 submitters: Benign (1); Likely benign (1). Last evaluated 2025-02-02.

Conditions:
PIEZO1-related disorder. Also called: PIEZO1-related condition; PIEZO1-Related Disorders.

Allele frequency attached by ClinVar (database versions not stated): gnomAD exomes 0.00002; gnomAD 0.00002; TOPMed 0.00002.
gnomAD v4.1: 25 of 1,550,242 alleles (0.0016%); highest among the groups gnomAD compares: Middle Eastern, 0.033%; no homozygotes.

Submissions (2):

PreventionGenetics, part of Exact Sciences
Classification: Likely benign for PIEZO1-related condition. Last evaluated: 2025-02-02. Review status: criteria provided, single submitter. Criteria: ACMG Guidelines, 2015. Collection method: clinical testing. Allele origin: germline.
Comment: This variant is classified as likely benign based on ACMG/AMP sequence variant interpretation guidelines (Richards et al. 2015 PMID: 25741868, with internal and published modifications).

Labcorp Genetics (formerly Invitae), Labcorp
Classification: Benign. Last evaluated: 2022-04-09. Review status: criteria provided, single submitter. Criteria: Invitae Variant Classification Sherloc (09022015). Collection method: clinical testing. Allele origin: germline.